The following is an entry in ClinVar:

NM_001077621.2(VPS37D):c.291G>A (p.Ala97=)

Gene: VPS37D (VPS37D subunit of ESCRT-I; plus strand). Cytogenetic location: 7q11.23.
Variant type: single nucleotide variant.
Coding change: c.291G>A on transcript NM_001077621.2 (MANE Select); coding-DNA position 291, G replaced by A.
Protein change: p.Ala97=; no amino-acid change (alanine 97 retained).
Molecular consequence: synonymous variant.
Genome position (GRCh38, 1-based): chr7:73,669,571, G>A. VCF-style: chr7-73669571-G-A. GRCh37 (hg19) VCF-style: chr7-73083901-G-A.
Identifiers: ClinVar variation 2657562 (VCV002657562.24), dbSNP rs61743138, ClinGen allele CA4289717.

ClinVar aggregate classification (germline): Likely benign (1 of 4 stars; one submission).

Allele frequency attached by ClinVar (database versions not stated): gnomAD exomes 0.00022; 1000 Genomes Project 30x 0.00094; 1000 Genomes Project 0.00100; ExAC 0.00128; gnomAD 0.00194; ESP Exome Variant Server 0.00204; TOPMed 0.00215.
gnomAD v4.1: 626 of 1,591,756 alleles (0.039%); highest among the groups gnomAD compares: African/African-American, 0.64%; 2 homozygotes.

Submission:

CeGaT Center for Human Genetics Tuebingen
Classification: Likely benign. Last evaluated: 2023-04-01. Review status: criteria provided, single submitter. Criteria: CeGaT Center For Human Genetics Tuebingen Variant Classification Criteria Version 2. Collection method: clinical testing. Allele origin: germline. Affected: yes. Observed: 1 variant allele.
Comment: VPS37D: BP4, BP7